The following is an entry in ClinVar:

ClinVar aggregate classification (germline): Conflicting classifications of pathogenicity. Review status: criteria provided, conflicting classifications (1 of 4 stars). 10 submissions from 10 submitters: Pathogenic (4); Likely pathogenic (3); Uncertain significance (2). 1 of the submissions does not count toward it. Last evaluated 2026-01-31.

Conditions:
Congenital Erythrocytosis.
Von Hippel-Lindau syndrome (VHLS). Also called: VHL syndrome; Von Hippel-Lindau; von Hippel–Lindau syndrome. Identifiers: Orphanet 892, MedGen C0019562, MONDO:0008667, OMIM 193300. Disease mechanism: loss of function.
Chuvash polycythemia. Also called: POLYCYTHEMIA, VHL-DEPENDENT. Identifiers: Orphanet 238557, MedGen C1837915, MONDO:0009892, OMIM 263400.
Hereditary cancer-predisposing syndrome. Also called: Hereditary Cancer Syndrome; Neoplastic Syndromes, Hereditary; Hereditary neoplastic syndrome; Tumor predisposition. Identifiers: Orphanet 140162, MedGen C0027672, MeSH D009386, MONDO:0015356.

Allele frequency attached by ClinVar (database versions not stated): gnomAD 0.00001; TOPMed 0.00003.

Submissions (10):

Labcorp Genetics (formerly Invitae), Labcorp
Classification: Pathogenic for Von Hippel-Lindau syndrome; Chuvash polycythemia. Last evaluated: 2026-01-31. Review status: criteria provided, single submitter. Criteria: Invitae Variant Classification Sherloc (09022015). Collection method: clinical testing. Allele origin: germline.
Comment: This sequence change falls in intron 1 of the VHL gene. It is not expected to change the encoded amino acid sequence of the VHL protein. However, this sequence change falls within a cryptic exon in the VHL gene, known as exon E1’, which is naturally expressed at low levels in several human tissues (PMID: 29891534). RNA analysis indicates that this variant induces altered splicing and may result in an absent or altered protein product. This variant is not present in population databases (gnomAD no frequency). This variant has been observed in individual(s) with autosomal recessive erythrocytosis (PMID: 29891534, 37246471). In at least one individual the data is consistent with being in trans (on the opposite chromosome) from a pathogenic variant. It has also been observed to segregate with disease in related individuals. ClinVar contains an entry for this variant (Variation ID: 816685). Studies have shown that this variant results in a disruption of the relative levels of naturally occurring VHL mRNA isoforms, increasing expression of exon E1’ containing isoforms and decreasing the expression of the major mRNA isoforms of VHL which do not contain exon E1', and produces a non-functional protein and/or introduces a premature termination codon (PMID: 29891534; internal data). For these reasons, this variant has been classified as Pathogenic.

Center for Genomic Medicine, Rigshospitalet, Copenhagen University Hospital
Classification: Likely pathogenic. Last evaluated: 2025-03-04. Review status: criteria provided, single submitter. Criteria: ACMG Guidelines, 2015. Collection method: clinical testing. Allele origin: germline.

Institute for Genomic Medicine (IGM) Clinical Laboratory, Nationwide Children's Hospital
Classification: Uncertain significance for Von Hippel-Lindau syndrome. Last evaluated: 2025-02-20. Review status: criteria provided, single submitter. Criteria: ACMG Guidelines, 2015. Collection method: clinical testing. Allele origin: germline.
Comment: This variant is absent from or present at an exceedingly low frequency in gnomAD, a large-scale control population database (ACMG/AMP: PM2).

Ambry Genetics
Classification: Uncertain significance for Hereditary cancer-predisposing syndrome. Last evaluated: 2024-12-12. Review status: criteria provided, single submitter. Criteria: Ambry Variant Classification Scheme 2023. Collection method: clinical testing. Allele origin: germline.
Comment: The c.340+770T>C intronic variant results from a T to C substitution 770 nucleotides after coding exon 1 in the VHL gene. This variant has been identified in the homozygous state and in conjunction with other VHL variants in individuals with features consistent with VHL-related polycythemia (Lenglet M et al. Blood, 2018 Aug;132:469-483, Sochorcova L et al. Br J Haematol, 2023 Aug;202:674-685). This nucleotide position is well conserved in available vertebrate species. In silico splice site analysis predicts that this alteration will not have any significant effect on splicing. RNA studies have identified a cryptic exon insertion event associated with this variant; however, the clinical impact of this event is unknown at this time (Lenglet M et al. Blood, 2018 Aug;132:469-483; Ambry internal data). Based on the available evidence, the clinical significance of this variant remains unclear.

Women's Health and Genetics/Laboratory Corporation of America, LabCorp
Classification: Pathogenic for Chuvash polycythemia. Last evaluated: 2024-02-23. Review status: criteria provided, single submitter. Criteria: LabCorp Variant Classification Summary - May 2015. Collection method: clinical testing. Allele origin: germline.
Comment: Variant summary: VHL c.340+770T>C is located at a position not widely known to affect splicing. Consensus agreement among computation tools predict no significant impact on normal splicing. However, functional studies have shown that the variant leads to increased expression of minor, alternate mRNA isoforms containing a cryptic exon (termed E1', which is found deep in intron 1 and contains a premature stop codon) while simultaneously resulting in a strong decrease of predominant mRNA isoforms, which was associated with a downregulation of VHL protein expression (Lenglet_2018). The variant allele was found at a frequency of 1.3e-05 in 152334 control chromosomes (gnomAD v4). c.340+770T>C has been reported in the literature in multiple homozygous- and compound heterozygous individuals affected with autosomal recessive Congenital Polycythemia also referred to as familial erythrocytosis type 2 or Chuvash polycythemia (e.g. Lenglet_2018, Sochorcova_2023). In the heterozygous state, the variant is not expected to cause Von Hippel-Lindau Syndrome, as the heterozygous family members (carriers) were reportedly unaffected in these studies. The following publications have been ascertained in the context of this evaluation (PMID: 29891534, 37246471). ClinVar contains an entry for this variant (Variation ID: 816685). Based on the evidence outlined above, the variant was classified as pathogenic for Congenital Polycythemia.

GeneDx
Classification: Likely pathogenic. Last evaluated: 2023-12-12. Review status: criteria provided, single submitter. Criteria: GeneDx Variant Classification Process June 2021. Collection method: clinical testing. Allele origin: germline. Affected: yes.
Comment: Published functional studies suggest a damaging effect: minigene assay shows increased expression of the minor isoform with exon 1', which is expected to result in protein truncation (PMID: 29891534); Not observed at significant frequency in large population cohorts (gnomAD); While this variant is considered likely pathogenic for autosomal recessive familial eythrocytosis, there is a lack of evidence that it causes increased risk for von Hippel Lindau disease; This variant is associated with the following publications: (PMID: 15642664, 29891534, 33004005, 37246471)

Oxford Medical Genetics Laboratories, Oxford University Hospitals NHS Foundation Trust
Classification: Pathogenic for Congenital Erythrocytosis. Last evaluated: 2023-03-23. Review status: criteria provided, single submitter. Criteria: ACMG Guidelines, 2015. Collection method: clinical testing. Allele origin: germline. Affected: yes.

Department of Pathology and Laboratory Medicine, Sinai Health System
Classification: Likely pathogenic for von Hippel-Lindau disease. Review status: criteria provided, single submitter. Criteria: ACMG Guidelines, 2015. Collection method: clinical testing. Allele origin: germline.

Juno Genomics, Hangzhou Juno Genomics, Inc
Classification: Pathogenic for Chuvash polycythemia. Review status: criteria provided, single submitter. Criteria: ACMG Guidelines, 2015. Collection method: clinical testing. Allele origin: germline. Affected: yes.
Comment: Absent from controls (or at extremely low frequency if recessive) in Genome Aggregation Database, Exome Sequencing Project, 1000 Genomes Project, or Exome Aggregation Consortium.;For recessive disorders, detected in trans with a pathogenic variant.;Co-segregation with disease in multiple affected family members in a gene definitively known to cause the disease.;Well-established in vitro or in vivo functional studies supportive of a damaging effect on the gene or gene product.

OMIM
Classification: Pathogenic for ERYTHROCYTOSIS, FAMILIAL, 2. Last evaluated: 2005-01-01. Review status: no assertion criteria provided. Collection method: literature only. Allele origin: germline. Not counted in ClinVar's aggregate classification.

Literature cited by the submitters: PubMed 29891534 (cited by 6 submitters); PubMed 37246471 (cited by 4 submitters); PubMed 31996412 (cited by Center for Genomic Medicine, Rigshospitalet, Copenhagen University Hospital); PubMed 15642664 (cited by OMIM).

NM_000551.4(VHL):c.340+770T>C

Genes: VHL (von Hippel-Lindau tumor suppressor; plus strand), LOC107303340 (3p25 von Hippel-Lindau tumor suppressor, E3 ubiquitin protein ligase Alu-mediated recombination region; plus strand). Cytogenetic location: 3p25.3.
Variant type: single nucleotide variant.
Coding change: c.340+770T>C on transcript NM_000551.4 (MANE Select); 770 bases into the intron after coding-DNA position 340, T replaced by C.
Molecular consequence: intron variant. On other transcripts: missense variant (1).
Genome position (GRCh38, 1-based): chr3:10,142,957, T>C. VCF-style: chr3-10142957-T-C. GRCh37 (hg19) VCF-style: chr3-10184641-T-C.
Other names: c.535T>C, p.Ser179Pro (NM_001354723.2); c.340+770T>C (NM_198156.3); short protein forms S179P.
Identifiers: ClinVar variation 816685 (VCV000816685.39), dbSNP rs1346312258, ClinGen allele CA896160296.